The following is an entry in ClinVar:

NC_000006.11:g.(?_74189435)_(74192363_?)del

Gene: MTO1 (mitochondrial tRNA translation optimization 1; plus strand). Cytogenetic location: 6q13.
Variant type: Deletion.
Identifiers: ClinVar variation 2425764 (VCV002425764.3).

ClinVar aggregate classification (germline): Pathogenic (1 of 4 stars; one submission).

Conditions:
Mitochondrial hypertrophic cardiomyopathy with lactic acidosis due to MTO1 deficiency. Also called: Combined oxidative phosphorylation deficiency 10; CARDIOMYOPATHY, INFANTILE HYPERTROPHIC MITOCHONDRIAL, AND LACTIC ACIDOSIS. Identifiers: Orphanet 314637, MedGen C4749921, MONDO:0013865, OMIM 614702.

Submission:

Labcorp Genetics (formerly Invitae), Labcorp
Classification: Pathogenic for Mitochondrial hypertrophic cardiomyopathy with lactic acidosis due to MTO1 deficiency. Last evaluated: 2021-10-20. Review status: criteria provided, single submitter. Criteria: Invitae Variant Classification Sherloc (09022015). Collection method: clinical testing. Allele origin: germline.
Comment: This variant is a gross deletion of the genomic region encompassing exon(s) 5-9 of the MTO1 gene. This deletion is out-of-frame, and is expected to create a premature termination codon and result in an absent or disrupted protein product. Loss-of-function variants in MTO1 are known to be pathogenic (PMID: 22608499, 25058219). This variant has not been reported in the literature in individuals affected with MTO1-related conditions. For these reasons, this variant has been classified as Pathogenic.

Literature cited by the submitters: PubMed 22608499; PubMed 25058219.